The following is an entry in ClinVar:

NM_024809.5(TCTN2):c.1060G>A (p.Glu354Lys)

Gene: TCTN2 (tectonic family member 2; plus strand). Cytogenetic location: 12q24.31.
Variant type: single nucleotide variant.
Coding change: c.1060G>A on transcript NM_024809.5 (MANE Select); coding-DNA position 1060, G replaced by A.
Protein change: p.Glu354Lys; replaces glutamic acid 354 with lysine.
Molecular consequence: missense variant.
Genome position (GRCh38, 1-based): chr12:123,692,684, G>A. VCF-style: chr12-123692684-G-A. GRCh37 (hg19) VCF-style: chr12-124177231-G-A.
Other names: c.1057G>A, p.Glu353Lys (NM_001143850.3); short protein forms E354K, E353K.
Identifiers: ClinVar variation 1423655 (VCV001423655.6), dbSNP rs953263200, ClinGen allele CA245164233.

ClinVar aggregate classification (germline): Uncertain significance. Review status: criteria provided, multiple submitters, no conflicts (2 of 4 stars). 2 submissions from 2 submitters: Uncertain significance (2). Last evaluated 2022-09-01.

Conditions:
Meckel-Gruber syndrome. Also called: DYSENCEPHALIA SPLANCHNOCYSTICA; GRUBER SYNDROME; Dysencephalia splachnocystica. Identifiers: Orphanet 564, MedGen C0265215, MONDO:0018921.
Joubert syndrome. Also called: Familial aplasia of the vermis; JOUBERT-BOLTSHAUSER SYNDROME. Identifiers: Orphanet 475, MedGen C5979921, MONDO:0018772.

Allele frequency attached by ClinVar (database versions not stated): gnomAD 0.00001; gnomAD exomes 0.00001; TOPMed 0.00002.

Submissions (2):

Blueprint Genetics
Classification: Uncertain significance. Last evaluated: 2022-09-01. Review status: criteria provided, single submitter. Criteria: ACMG Guidelines, 2015. Collection method: clinical testing. Allele origin: germline.

Labcorp Genetics (formerly Invitae), Labcorp
Classification: Uncertain significance for Joubert syndrome; Meckel-Gruber syndrome. Last evaluated: 2022-07-05. Review status: criteria provided, single submitter. Criteria: Invitae Variant Classification Sherloc (09022015). Collection method: clinical testing. Allele origin: germline.
Comment: This sequence change replaces glutamic acid, which is acidic and polar, with lysine, which is basic and polar, at codon 354 of the TCTN2 protein (p.Glu354Lys). This variant is present in population databases (no rsID available, gnomAD 0.01%). This variant has not been reported in the literature in individuals affected with TCTN2-related conditions. ClinVar contains an entry for this variant (Variation ID: 1423655). Algorithms developed to predict the effect of missense changes on protein structure and function are either unavailable or do not agree on the potential impact of this missense change (SIFT: "Tolerated"; PolyPhen-2: "Possibly Damaging"; Align-GVGD: "Class C0"). In summary, the available evidence is currently insufficient to determine the role of this variant in disease. Therefore, it has been classified as a Variant of Uncertain Significance.